The following is an entry in ClinVar:

ClinVar aggregate classification (germline): Uncertain significance (1 of 4 stars; one submission).

Conditions:
ZMYND11-related disorder. Also called: ZMYND11-related condition.

gnomAD v4.1: 1 of 1,614,228 alleles (0.000062%); highest among the groups gnomAD compares: Non-Finnish European, 0.000085%; no homozygotes.

Submission:

PreventionGenetics, part of Exact Sciences
Classification: Uncertain significance for ZMYND11-related condition. Last evaluated: 2025-11-24. Review status: criteria provided, single submitter. Criteria: ACMG Guidelines, 2015. Collection method: clinical testing. Allele origin: germline.
Comment: The ZMYND11 c.1585A>G variant is predicted to result in the amino acid substitution p.Lys529Glu. To our knowledge, this variant has not been reported in the literature or in a large population database (gnomAD), indicating this variant is rare. At this time, the clinical significance of this variant is uncertain due to the absence of conclusive functional and genetic evidence.

NM_001370100.5(ZMYND11):c.1585A>G (p.Lys529Glu)

Genes: ZMYND11 (zinc finger MYND-type containing 11; plus strand), LOC126860802 (BRD4-independent group 4 enhancer GRCh37_chr10:294268-295467; plus strand). Cytogenetic location: 10p15.3.
Variant type: single nucleotide variant.
Coding change: c.1585A>G on transcript NM_001370100.5 (MANE Select); coding-DNA position 1585, A replaced by G.
Protein change: p.Lys529Glu; replaces lysine 529 with glutamic acid.
Molecular consequence: missense variant. On other transcripts: non-coding transcript variant (1).
Genome position (GRCh38, 1-based): chr10:248,987, A>G. VCF-style: chr10-248987-A-G. GRCh37 (hg19) VCF-style: chr10-294927-A-G.
Other names: c.1423A>G, p.Lys475Glu (NM_001202464.3, NM_001202467.1, NM_001370103.2 and 6 more transcripts); c.1330A>G, p.Lys444Glu (NM_001202465.3, NM_001370110.2); c.1420A>G, p.Lys474Glu (NM_001202466.3, NM_001370111.2); c.1585A>G, p.Lys529Glu (NM_001202468.1, NM_001370097.3, NM_001370098.2 and 4 more transcripts); c.1534A>G, p.Lys512Glu (NM_001330057.3, NM_001370112.2); c.1492A>G, p.Lys498Glu (NM_001370113.2, NM_001370114.2); c.1582A>G, p.Lys528Glu (NM_001370115.2, NM_212479.4); c.1519A>G, p.Lys507Glu (NM_001370116.2); and 8 more; short protein forms K475E, K480E, K372E, K410E, K427E, K444E, K453E, K489E.
Identifiers: ClinVar variation 4996268 (VCV004996268.1).
Genomic context (GRCh38, chr10:248,987, plus strand): 5'-AAGAGACAAGCTGTAAATAAAGCTGTAGCCAACATGCAGGGTGAGATGGACAGAAAATGT[A>G]AGCAAGTAAAGGAAAAGTGTAAGGAAGAATTTGTAGAAGAAATCAAGAAGCTGGCAACAC-3'
Protein context (NP_001357029.1, residues 519-539): NMQGEMDRKC[Lys529Glu]QVKEKCKEEF